The following is an entry in ClinVar:

NM_000441.2(SLC26A4):c.398C>A (p.Ser133Ter)

Gene: SLC26A4 (solute carrier family 26 member 4; plus strand). Cytogenetic location: 7q22.3.
Variant type: single nucleotide variant.
Coding change: c.398C>A on transcript NM_000441.2 (MANE Select); coding-DNA position 398, C replaced by A.
Protein change: p.Ser133Ter; replaces serine 133 with a stop codon.
Molecular consequence: nonsense.
Genome position (GRCh38, 1-based): chr7:107,672,231, C>A. VCF-style: chr7-107672231-C-A. GRCh37 (hg19) VCF-style: chr7-107312676-C-A.
Other names: c.398C>A (NM_000441.1); short protein forms S133*.
Identifiers: ClinVar variation 2136587 (VCV002136587.6), dbSNP rs2129311271, ClinGen allele CA368847252.

ClinVar aggregate classification (germline): Pathogenic. Review status: criteria provided, multiple submitters, no conflicts (2 of 4 stars). 3 submissions from 3 submitters: Pathogenic (3). Last evaluated 2024-09-18.

Conditions:
Autosomal recessive nonsyndromic hearing loss 4 (DFNB4). Also called: Deafness, autosomal recessive 4; Enlarged vestibular aqueduct, digenic; NEUROSENSORY NONSYNDROMIC RECESSIVE DEAFNESS 4; Deafness, autosomal recessive 4, with enlarged vestibular aqueduct; FOXI1-Related Pendred Syndrome; KCNJ10-Related Pendred Syndrome. Identifiers: Orphanet 90636, MedGen C3538946, MONDO:0010933, OMIM 600791.
Pendred syndrome (PDS). Also called: THYROID DYSHORMONOGENESIS 2B; THYROID HORMONOGENESIS, GENETIC DEFECT IN, 2B; DEAFNESS WITH GOITER; Pendred Syndrome (PDS); GOITER-DEAFNESS SYNDROME; HYPOTHYROIDISM, CONGENITAL, DUE TO DYSHORMONOGENESIS, 2B. Identifiers: Orphanet 705, MedGen C0271829, MONDO:0010134, OMIM 274600.

Submissions (3):

Natera, Inc.
Classification: Pathogenic for Pendred syndrome. Last evaluated: 2024-09-18. Review status: criteria provided, single submitter. Criteria: Natera Variant Classification Schema (03/2026). Collection method: clinical testing. Allele origin: germline.
Comment: The c.398C>A variant in SLC26A4 is a nonsense variant predicted to introduce a stop codon at amino acid 133. This variant is expected to result in nonsense mediated decay, truncation, or a dysfunctional protein product. This variant is rare in the general population with a frequency below the threshold expected for the associated phenotype(s). This variant has been observed in one or more individuals affected with the associated recessive disease, as either homozygous or compound heterozygous with a second variant (PMID: 15355436). Given the available evidence, this variant is classified as Pathogenic.

Fulgent Genetics
Classification: Pathogenic for Pendred syndrome; Autosomal recessive nonsyndromic hearing loss 4. Last evaluated: 2024-03-07. Review status: criteria provided, single submitter. Criteria: ACMG Guidelines, 2015. Collection method: clinical testing. Allele origin: germline.

Labcorp Genetics (formerly Invitae), Labcorp
Classification: Pathogenic. Last evaluated: 2022-01-23. Review status: criteria provided, single submitter. Criteria: Invitae Variant Classification Sherloc (09022015). Collection method: clinical testing. Allele origin: germline.
Comment: This sequence change creates a premature translational stop signal (p.Ser133*) in the SLC26A4 gene. It is expected to result in an absent or disrupted protein product. Loss-of-function variants in SLC26A4 are known to be pathogenic (PMID: 16283880, 25394566, 26252218, 26445815). This variant is not present in population databases (gnomAD no frequency). This premature translational stop signal has been observed in individual(s) with Pendred syndrome (PMID: 15355436). For these reasons, this variant has been classified as Pathogenic.

Literature cited by the submitters: PubMed 15355436 (cited by Natera, Inc. and Labcorp Genetics (formerly Invitae), Labcorp); PubMed 16283880 (cited by Labcorp Genetics (formerly Invitae), Labcorp); PubMed 25394566 (cited by Labcorp Genetics (formerly Invitae), Labcorp); PubMed 26252218 (cited by Labcorp Genetics (formerly Invitae), Labcorp); PubMed 26445815 (cited by Labcorp Genetics (formerly Invitae), Labcorp).